The following is an entry in ClinVar:

NC_000019.10:g.39480691A>T

Gene: TIMM50 (translocase of inner mitochondrial membrane 50; plus strand). Cytogenetic location: 19q13.2.
Variant type: single nucleotide variant.
Genome position: GRCh38 VCF-style: chr19-39480691-A-T. GRCh37 (hg19) VCF-style: chr19-39971331-A-T.
Identifiers: ClinVar variation 1433202 (VCV001433202.8), dbSNP rs567097283, ClinGen allele CA9431564.
Genomic context (GRCh38, chr19:39,480,691, plus strand): 5'-AAGGGGGCGTGGTCCAGATGACTTTGAATCCCAGTTGTCGCCCCCAGGGTCAGCCAGGAG[A>T]CTAGTCAGAAGCAAACGCGCCTGCGGCAATCCGCCCGATGCCTTTGGTCTCTCTCGGGCT-3'

ClinVar aggregate classification (germline): Uncertain significance (1 of 4 stars; one submission).

Allele frequency attached by ClinVar (database versions not stated): gnomAD exomes below 0.00001 and 0.00001; TOPMed below 0.00001; gnomAD 0.00001; ExAC 0.00002; 1000 Genomes Project 30x 0.00016; 1000 Genomes Project 0.00020.

Submission:

Labcorp Genetics (formerly Invitae), Labcorp
Classification: Uncertain significance. Last evaluated: 2022-07-19. Review status: criteria provided, single submitter. Criteria: Invitae Variant Classification Sherloc (09022015). Collection method: clinical testing. Allele origin: germline.
Comment: ClinVar contains an entry for this variant (Variation ID: 1433202). In summary, the available evidence is currently insufficient to determine the role of this variant in disease. Therefore, it has been classified as a Variant of Uncertain Significance. Algorithms developed to predict the effect of missense changes on protein structure and function output the following: SIFT: "Not Available"; PolyPhen-2: "Possibly Damaging"; Align-GVGD: "Not Available". The serine amino acid residue is found in multiple mammalian species, which suggests that this missense change does not adversely affect protein function. This variant has not been reported in the literature in individuals affected with TIMM50-related conditions. This variant is present in population databases (rs567097283, gnomAD 0.01%). This sequence change replaces arginine, which is basic and polar, with serine, which is neutral and polar, at codon 49 of the TIMM50 protein (p.Arg49Ser).